The following is an entry in ClinVar:

NM_000298.6(PKLR):c.1469G>A (p.Arg490Gln)

Gene: PKLR (pyruvate kinase L/R; minus strand). Cytogenetic location: 1q22.
Variant type: single nucleotide variant.
Coding change: c.1469G>A on transcript NM_000298.6 (MANE Select); coding-DNA position 1469, G replaced by A.
Protein change: p.Arg490Gln; replaces arginine 490 with glutamine.
Molecular consequence: missense variant.
Genome position (GRCh38, 1-based): chr1:155,291,905, C>T on the plus strand (G>A on the coding strand, the complement: PKLR is on the minus strand). VCF-style: chr1-155291905-C-T. GRCh37 (hg19) VCF-style: chr1-155261696-C-T.
Other names: p.Arg490Gln; c.1376G>A, p.Arg459Gln (NM_181871.4); short protein forms R459Q, R490Q.
Identifiers: ClinVar variation 1029781 (VCV001029781.6), dbSNP rs746257586, ClinGen allele CA1143987.

ClinVar aggregate classification (germline): Uncertain significance. Review status: criteria provided, multiple submitters, no conflicts (2 of 4 stars). 5 submissions from 5 submitters: Uncertain significance (5). Last evaluated 2025-10-28.

Conditions:
PKLR-related disorder. Also called: PKLR-related condition.
Pyruvate kinase hyperactivity. Identifiers: MedGen C1863224, MONDO:0007067, OMIM 102900.

Allele frequency attached by ClinVar (database versions not stated): gnomAD 0.00003; TOPMed 0.00003.
gnomAD v4.1: 43 of 1,613,476 alleles (0.0027%); highest among the groups gnomAD compares: Admixed American, 0.045%; no homozygotes.

Submissions (5):

Mayo Clinic Laboratories, Mayo Clinic
Classification: Uncertain significance. Last evaluated: 2025-10-28. Review status: criteria provided, single submitter. Criteria: ACMG Guidelines, 2015. Collection method: clinical testing. Allele origin: germline. Observed: 1 variant allele.
Comment: PP3, PM2_supporting

PreventionGenetics, part of Exact Sciences
Classification: Uncertain significance for PKLR-related condition. Last evaluated: 2025-09-18. Review status: criteria provided, single submitter. Criteria: ACMG Guidelines, 2015. Collection method: clinical testing. Allele origin: germline.
Comment: The PKLR c.1469G>A variant is predicted to result in the amino acid substitution p.Arg490Gln. This variant has been reported in an individual with spherocytosis and pyruvate kinase deficiency (Patient 151, Supplemental Table 2, Nieto et al. 2022. PubMed ID: 35351432). Of note, that patient also had a second PKLR variant and a SPTB variant. This variant is reported in 0.038% of alleles in individuals of Latino descent in gnomAD. At this time, the clinical significance of this variant is uncertain due to the absence of conclusive functional and genetic evidence.

Revvity Omics, Revvity
Classification: Uncertain significance. Last evaluated: 2024-12-20. Review status: criteria provided, single submitter. Criteria: ACMG Guidelines, 2015. Collection method: clinical testing. Allele origin: germline.

Labcorp Genetics (formerly Invitae), Labcorp
Classification: Uncertain significance. Last evaluated: 2024-03-30. Review status: criteria provided, single submitter. Criteria: Invitae Variant Classification Sherloc (09022015). Collection method: clinical testing. Allele origin: germline.
Comment: This sequence change replaces arginine, which is basic and polar, with glutamine, which is neutral and polar, at codon 490 of the PKLR protein (p.Arg490Gln). This variant is present in population databases (rs746257586, gnomAD 0.04%). This missense change has been observed in individual(s) with clinical features of PKLR-related conditions (PMID: 35351432). ClinVar contains an entry for this variant (Variation ID: 1029781). Advanced modeling of protein sequence and biophysical properties (such as structural, functional, and spatial information, amino acid conservation, physicochemical variation, residue mobility, and thermodynamic stability) performed at Invitae indicates that this missense variant is not expected to disrupt PKLR protein function with a negative predictive value of 80%. In summary, the available evidence is currently insufficient to determine the role of this variant in disease. Therefore, it has been classified as a Variant of Uncertain Significance.

Baylor Genetics
Classification: Uncertain significance for Pyruvate kinase hyperactivity. Last evaluated: 2019-05-29. Review status: criteria provided, single submitter. Criteria: ACMG Guidelines, 2015. Collection method: clinical testing. Allele origin: unknown. Affected: yes.
Comment: This variant was determined to be of uncertain significance according to ACMG Guidelines, 2015 [PMID:25741868].

Literature cited by the submitters: PubMed 35351432 (cited by Labcorp Genetics (formerly Invitae), Labcorp).